The following is an entry in ClinVar:

ClinVar aggregate classification (germline): Uncertain significance. Review status: criteria provided, multiple submitters, no conflicts (2 of 4 stars). 3 submissions from 3 submitters: Uncertain significance (3). Last evaluated 2025-05-18.

Conditions:
Inborn genetic diseases. Identifiers: MedGen C0950123, MeSH D030342.
Bethlem myopathy 1A. Also called: Bethlem Muscular Dystrophy; MYOPATHY, BENIGN CONGENITAL, WITH CONTRACTURES; Bethlem myopathy 1. Identifiers: Orphanet 610, MedGen CN029274, MONDO:0024530, OMIM 158810.

Allele frequency attached by ClinVar (database versions not stated): TOPMed below 0.00001; gnomAD 0.00001; gnomAD exomes 0.00001.
gnomAD v4.1: 16 of 1,605,528 alleles (0.001%); highest among the groups gnomAD compares: East Asian, 0.0022%; no homozygotes.

Submissions (3):

Ambry Genetics
Classification: Uncertain significance for Inborn genetic diseases. Last evaluated: 2025-05-18. Review status: criteria provided, single submitter. Criteria: Ambry Variant Classification Scheme 2023. Collection method: clinical testing. Allele origin: germline.

Labcorp Genetics (formerly Invitae), Labcorp
Classification: Uncertain significance for Bethlem myopathy 1A. Last evaluated: 2025-04-11. Review status: criteria provided, single submitter. Criteria: Invitae Variant Classification Sherloc (09022015). Collection method: clinical testing. Allele origin: germline.
Comment: This sequence change replaces arginine, which is basic and polar, with cysteine, which is neutral and slightly polar, at codon 856 of the COL6A3 protein (p.Arg856Cys). This variant is present in population databases (no rsID available, gnomAD 0.004%). This variant has not been reported in the literature in individuals affected with COL6A3-related conditions. ClinVar contains an entry for this variant (Variation ID: 2215212). Invitae Evidence Modeling of protein sequence and biophysical properties (such as structural, functional, and spatial information, amino acid conservation, physicochemical variation, residue mobility, and thermodynamic stability) indicates that this missense variant is expected to disrupt COL6A3 protein function with a positive predictive value of 80%. In summary, the available evidence is currently insufficient to determine the role of this variant in disease. Therefore, it has been classified as a Variant of Uncertain Significance.

Revvity Omics, Revvity
Classification: Uncertain significance. Last evaluated: 2023-01-18. Review status: criteria provided, single submitter. Criteria: ACMG Guidelines, 2015. Collection method: clinical testing. Allele origin: germline.

NM_004369.4(COL6A3):c.2566C>T (p.Arg856Cys)

Gene: COL6A3 (collagen type VI alpha 3 chain; minus strand). Cytogenetic location: 2q37.3.
Variant type: single nucleotide variant.
Coding change: c.2566C>T on transcript NM_004369.4 (MANE Select); coding-DNA position 2566, C replaced by T.
Protein change: p.Arg856Cys; replaces arginine 856 with cysteine.
Molecular consequence: missense variant.
Genome position (GRCh38, 1-based): chr2:237,377,276, G>A on the plus strand (C>T on the coding strand, the complement: COL6A3 is on the minus strand). VCF-style: chr2-237377276-G-A. GRCh37 (hg19) VCF-style: chr2-238285919-G-A.
Other names: c.1345C>T, p.Arg449Cys (NM_057164.5); c.1948C>T, p.Arg650Cys (NM_057165.5, NM_057167.4); c.745C>T, p.Arg249Cys (NM_057166.5); short protein forms R449C, R856C, R249C, R650C.
Identifiers: ClinVar variation 2215212 (VCV002215212.8), dbSNP rs1039764953, ClinGen allele CA67825684.